The following is an entry in ClinVar:

NM_032638.5(GATA2):c.1423A>G (p.Met475Val)

Gene: GATA2 (GATA binding protein 2; minus strand). Cytogenetic location: 3q21.3.
Variant type: single nucleotide variant.
Coding change: c.1423A>G on transcript NM_032638.5 (MANE Select); coding-DNA position 1423, A replaced by G.
Protein change: p.Met475Val; replaces methionine 475 with valine.
Molecular consequence: missense variant.
Genome position (GRCh38, 1-based): chr3:128,481,039, T>C on the plus strand (A>G on the coding strand, the complement: GATA2 is on the minus strand). VCF-style: chr3-128481039-T-C. GRCh37 (hg19) VCF-style: chr3-128199882-T-C.
Other names: c.1423A>G, p.Met475Val (NM_001145661.2); c.1381A>G, p.Met461Val (NM_001145662.1); c.1423A>G (NM_032638.4); short protein forms M475V, M461V.
Identifiers: ClinVar variation 1485865 (VCV001485865.9), dbSNP rs1429596189, ClinGen allele CA354412433.

ClinVar aggregate classification (germline): Uncertain significance. Review status: criteria provided, multiple submitters, no conflicts (2 of 4 stars). 2 submissions from 2 submitters: Uncertain significance (2). Last evaluated 2025-02-24.

Conditions:
Inborn genetic diseases. Identifiers: MedGen C0950123, MeSH D030342.
Monocytopenia with susceptibility to infections. Also called: IMMUNODEFICIENCY 21; GATA2 DEFICIENCY; MONOCYTOPENIA AND MYCOBACTERIAL INFECTION SYNDROME; MONOCYTOPENIA WITH SUSCEPTIBILITY TO MYCOBACTERIAL, FUNGAL, AND PAPILLOMAVIRUS INFECTIONS AND MYELODYSPLASIA; COMBINED IMMUNODEFICIENCY WITH SUSCEPTIBILITY TO MYCOBACTERIAL, VIRAL, AND FUNGAL INFECTIONS; Dendritic cell, monocyte, B lymphocyte, and natural killer lymphocyte deficiency. Identifiers: Orphanet 228423, MedGen C3280030, MONDO:0013607, OMIM 614172.
Deafness-lymphedema-leukemia syndrome. Also called: Emberger syndrome; Lymphedema, primary, with myelodysplasia. Identifiers: Orphanet 3226, MedGen C3279664, MONDO:0013540, OMIM 614038.

Submissions (2):

Ambry Genetics
Classification: Uncertain significance for Inborn genetic diseases. Last evaluated: 2025-02-24. Review status: criteria provided, single submitter. Criteria: Ambry Variant Classification Scheme 2023. Collection method: clinical testing. Allele origin: germline.
Comment: The p.M475V variant (also known as c.1423A>G), located in coding exon 5 of the GATA2 gene, results from an A to G substitution at nucleotide position 1423. The methionine at codon 475 is replaced by valine, an amino acid with highly similar properties. This amino acid position is conserved. In addition, the in silico prediction for this alteration is inconclusive. Based on the available evidence, the clinical significance of this variant remains unclear.

Labcorp Genetics (formerly Invitae), Labcorp
Classification: Uncertain significance for Monocytopenia with susceptibility to infections; Deafness-lymphedema-leukemia syndrome. Last evaluated: 2024-04-10. Review status: criteria provided, single submitter. Criteria: Invitae Variant Classification Sherloc (09022015). Collection method: clinical testing. Allele origin: germline.
Comment: This sequence change replaces methionine, which is neutral and non-polar, with valine, which is neutral and non-polar, at codon 475 of the GATA2 protein (p.Met475Val). This variant is present in population databases (no rsID available, gnomAD no frequency). This variant has not been reported in the literature in individuals affected with GATA2-related conditions. ClinVar contains an entry for this variant (Variation ID: 1485865). Advanced modeling of protein sequence and biophysical properties (such as structural, functional, and spatial information, amino acid conservation, physicochemical variation, residue mobility, and thermodynamic stability) has been performed at Invitae for this missense variant, however the output from this modeling did not meet the statistical confidence thresholds required to predict the impact of this variant on GATA2 protein function. In summary, the available evidence is currently insufficient to determine the role of this variant in disease. Therefore, it has been classified as a Variant of Uncertain Significance.